The following is an entry in ClinVar:

ClinVar aggregate classification (germline): Uncertain significance (1 of 4 stars; one submission).

Conditions:
Autosomal recessive spinocerebellar ataxia 12. Also called: SPINOCEREBELLAR ATAXIA WITH MENTAL RETARDATION AND EPILEPSY. Identifiers: Orphanet 284282, MedGen C3280452, MONDO:0013687, OMIM 614322.
Developmental and epileptic encephalopathy, 1 (DEE1). Also called: X-linked infantile spasms; West's syndrome; Tonic spasms with clustering, arrest of psychomotor development and hypsarrhythmia on EEG; X-Linked Infantile Spasm Syndrome; OHTAHARA SYNDROME, X-LINKED; INFANTILE SPASM SYNDROME, X-LINKED 1. Identifiers: MedGen C3463992, MONDO:0010632, OMIM 308350. Disease mechanism: loss of function.

Submission:

Labcorp Genetics (formerly Invitae), Labcorp
Classification: Uncertain significance for Epileptic encephalopathy, early infantile, 1; Spinocerebellar ataxia, autosomal recessive 12. Last evaluated: 2018-05-02. Review status: criteria provided, single submitter. Criteria: Invitae Variant Classification Sherloc (09022015). Collection method: clinical testing. Allele origin: germline.
Comment: This variant is an in-frame deletion of the genomic region encompassing exons 6-8 of the WWOX gene. It preserves the integrity of the reading frame. This variant has not been reported in the literature in individuals with WWOX-related disease. Experimental studies and prediction algorithms are not available for this variant, and the functional significance of the deleted amino acids is currently unknown. In summary, the available evidence is currently insufficient to determine the role of this variant in disease. Therefore, it has been classified as a Variant of Uncertain Significance.

NC_000016.9:g.(?_78312480)_(78466669_?)dup

Genes: WWOX (WW domain containing oxidoreductase; plus strand), LOC112486209 (Sharpr-MPRA regulatory region 4302; plus strand), LOC132090431 (Neanderthal introgressed variant-containing enhancer experimental_46108; plus strand), LOC132090432 (Neanderthal introgressed variant-containing enhancer experimental_46172; plus strand), LOC132090433 (Neanderthal introgressed variant-containing enhancer experimental_46191; plus strand) and 2 more. Cytogenetic location: 16q23.1.
Variant type: Duplication.
Identifiers: ClinVar variation 583479 (VCV000583479.1).